The following is an entry in ClinVar:

NM_020778.5(ALPK3):c.3187G>C (p.Gly1063Arg)

Gene: ALPK3 (alpha kinase 3; plus strand). Cytogenetic location: 15q25.3.
Variant type: single nucleotide variant.
Coding change: c.3187G>C on transcript NM_020778.5 (MANE Select); coding-DNA position 3187, G replaced by C.
Protein change: p.Gly1063Arg; replaces glycine 1063 with arginine.
Molecular consequence: missense variant.
Genome position (GRCh38, 1-based): chr15:84,857,925, G>C. VCF-style: chr15-84857925-G-C. GRCh37 (hg19) VCF-style: chr15-85401156-G-C.
Other names: short protein forms G1063R.
Identifiers: ClinVar variation 2779516 (VCV002779516.3), dbSNP rs760651826, ClinGen allele CA7709573.

ClinVar aggregate classification (germline): Uncertain significance (1 of 4 stars; one submission).

Allele frequency attached by ClinVar (database versions not stated): ExAC 0.00002.
gnomAD v4.1: 4 of 1,610,378 alleles (0.00025%); highest among the groups gnomAD compares: Non-Finnish European, 0.00034%; no homozygotes.

Submission:

Labcorp Genetics (formerly Invitae), Labcorp
Classification: Uncertain significance. Last evaluated: 2023-11-05. Review status: criteria provided, single submitter. Criteria: Invitae Variant Classification Sherloc (09022015). Collection method: clinical testing. Allele origin: germline.
Comment: This sequence change replaces glycine, which is neutral and non-polar, with arginine, which is basic and polar, at codon 1265 of the ALPK3 protein (p.Gly1265Arg). This variant is present in population databases (rs760651826, gnomAD 0.002%). This variant has not been reported in the literature in individuals affected with ALPK3-related conditions. Algorithms developed to predict the effect of missense changes on protein structure and function output the following: SIFT: "Not Available"; PolyPhen-2: "Benign"; Align-GVGD: "Not Available". The arginine amino acid residue is found in multiple mammalian species, which suggests that this missense change does not adversely affect protein function. In summary, the available evidence is currently insufficient to determine the role of this variant in disease. Therefore, it has been classified as a Variant of Uncertain Significance.